The following is an entry in ClinVar:

ClinVar aggregate classification (germline): Uncertain significance (1 of 4 stars; one submission).

Submission:

Mayo Clinic Laboratories, Mayo Clinic
Classification: Uncertain significance. Last evaluated: 2025-01-22. Review status: criteria provided, single submitter. Criteria: ACMG Guidelines, 2015. Collection method: clinical testing. Allele origin: germline. Observed: 1 variant allele.
Comment: BP4, PM2_supporting

NM_001114134.2(EPB42):c.1628T>G (p.Ile543Arg)

Gene: EPB42 (erythrocyte membrane protein band 4.2; minus strand). Cytogenetic location: 15q15.2.
Variant type: single nucleotide variant.
Coding change: c.1628T>G on transcript NM_001114134.2 (MANE Select); coding-DNA position 1628, T replaced by G.
Protein change: p.Ile543Arg; replaces isoleucine 543 with arginine.
Molecular consequence: missense variant.
Genome position (GRCh38, 1-based): chr15:43,203,266, A>C on the plus strand (T>G on the coding strand, the complement: EPB42 is on the minus strand). VCF-style: chr15-43203266-A-C. GRCh37 (hg19) VCF-style: chr15-43495464-A-C.
Other names: p.Ile573Arg; c.1718T>G, p.Ile573Arg (NM_000119.3); short protein forms I573R, I543R.
Identifiers: ClinVar variation 4541931 (VCV004541931.1).